The following is an entry in ClinVar:

ClinVar aggregate classification (germline): Pathogenic (1 of 4 stars; one submission).

Conditions:
Odonto-onycho-dermal dysplasia. Identifiers: Orphanet 2721, MedGen C0796093, MONDO:0009773, OMIM 257980.
Tooth agenesis, selective, 4 (STHAG4). Also called: SUCCEDANEOUS TEETH, AGENESIS OF; LATERAL INCISORS, ABSENCE OF; LATERAL INCISORS, PEGGED OR MISSING; TOOTH AGENESIS, SELECTIVE, 4, WITH OR WITHOUT ECTODERMAL DYSPLASIA. Identifiers: Orphanet 99798, MedGen C1835492, MONDO:0007881, OMIM 150400. Disease mechanism: loss of function.

Submission:

Labcorp Genetics (formerly Invitae), Labcorp
Classification: Pathogenic for Tooth agenesis, selective, 4; Odonto-onycho-dermal dysplasia. Last evaluated: 2022-10-08. Review status: criteria provided, single submitter. Criteria: Invitae Variant Classification Sherloc (09022015). Collection method: clinical testing. Allele origin: germline.
Comment: This variant is not present in population databases (gnomAD no frequency). This sequence change creates a premature translational stop signal (p.Ser225Leufs*18) in the WNT10A gene. While this is not anticipated to result in nonsense mediated decay, it is expected to disrupt the last 193 amino acid(s) of the WNT10A protein. This variant has not been reported in the literature in individuals affected with WNT10A-related conditions. For these reasons, this variant has been classified as Pathogenic. This variant disrupts a region of the WNT10A protein in which other variant(s) (p.Glu390*) have been determined to be pathogenic (PMID: 24902757). This suggests that this is a clinically significant region of the protein, and that variants that disrupt it are likely to be disease-causing.

Literature cited by the submitters: PubMed 24902757.

NM_025216.3(WNT10A):c.673del (p.Ser225fs)

Gene: WNT10A (Wnt family member 10A; plus strand). Cytogenetic location: 2q35.
Variant type: Deletion.
Coding change: c.673del on transcript NM_025216.3 (MANE Select); coding-DNA position 673, one base deleted (T; older notation c.673delT).
Protein change: p.Ser225fs; shifts the reading frame from serine 225.
Molecular consequence: frameshift variant.
Genome position (GRCh38, 1-based): chr2:218,890,280, T deleted; the last of 4 consecutive T bases (chr2:218,890,277-218,890,280); deleting any one gives the same sequence. VCF-style (leftmost placement, unchanged base first): chr2-218890276-CT-C. GRCh37 (hg19) VCF-style: chr2-219754998-CT-C.
Other names: short protein forms S225fs.
Identifiers: ClinVar variation 2034704 (VCV002034704.4), dbSNP rs2470313345, ClinGen allele CA2580065722.